The following is an entry in ClinVar:

ClinVar aggregate classification (germline): Likely benign (1 of 4 stars; one submission).

Allele frequency attached by ClinVar (database versions not stated): gnomAD exomes 0.00006; TOPMed 0.00067; 1000 Genomes Project 30x 0.00109; ExAC 0.00021; gnomAD 0.00067; 1000 Genomes Project 0.00100.
gnomAD v4.1: 190 of 1,610,050 alleles (0.012%); highest among the groups gnomAD compares: African/African-American, 0.18%; 5 homozygotes.

Submission:

Mayo Clinic Laboratories, Mayo Clinic
Classification: Likely benign. Last evaluated: 2025-06-17. Review status: criteria provided, single submitter. Criteria: ACMG Guidelines, 2015. Collection method: clinical testing. Allele origin: germline. Observed: 3 variant alleles.
Comment: BP1, BP4_moderate

NM_001201550.3(CFHR4):c.630C>G (p.Asn210Lys)

Gene: CFHR4 (complement factor H related 4; plus strand). Cytogenetic location: 1q31.3.
Variant type: single nucleotide variant.
Coding change: c.630C>G on transcript NM_001201550.3 (MANE Select); coding-DNA position 630, C replaced by G.
Protein change: p.Asn210Lys; replaces asparagine 210 with lysine.
Molecular consequence: missense variant. On other transcripts: intron variant (1).
Genome position (GRCh38, 1-based): chr1:196,907,329, C>G. VCF-style: chr1-196907329-C-G. GRCh37 (hg19) VCF-style: chr1-196876459-C-G.
Other names: p.Asn209Lys; c.627C>G, p.Asn209Lys (NM_001201551.2); c.256+4714C>G (NM_006684.5); short protein forms N209K, N210K.
Identifiers: ClinVar variation 2682702 (VCV002682702.2), dbSNP rs554389553, ClinGen allele CA1306894.